The following is an entry in ClinVar:

ClinVar aggregate classification (germline): Uncertain significance (1 of 4 stars; one submission).

Conditions:
Tuberous sclerosis 2 (TSC2). Identifiers: Orphanet 805, MedGen C1860707, MONDO:0013199, OMIM 613254.

Submission:

Labcorp Genetics (formerly Invitae), Labcorp
Classification: Uncertain significance for Tuberous sclerosis 2. Last evaluated: 2020-02-27. Review status: criteria provided, single submitter. Criteria: Invitae Variant Classification Sherloc (09022015). Collection method: clinical testing. Allele origin: germline.
Comment: Algorithms developed to predict the effect of missense changes on protein structure and function do not agree on the potential impact of this missense change (SIFT: "Deleterious"; PolyPhen-2: "Probably Damaging"; Align-GVGD: "Class C0"). In summary, this variant is a novel missense change with uncertain impact on protein function. It has been classified as a Variant of Uncertain Significance. This variant is not present in population databases (ExAC no frequency) and has not been reported in the literature in individuals with a TSC2-related disease. This sequence change replaces alanine with serine at codon 870 of the TSC2 protein (p.Ala870Ser). The alanine residue is highly conserved and there is a moderate physicochemical difference between alanine and serine.

NM_000548.5(TSC2):c.2608G>T (p.Ala870Ser)

Gene: TSC2 (TSC complex subunit 2; plus strand). Cytogenetic location: 16p13.3.
Variant type: single nucleotide variant.
Coding change: c.2608G>T on transcript NM_000548.5 (MANE Select); coding-DNA position 2608, G replaced by T.
Protein change: p.Ala870Ser; replaces alanine 870 with serine.
Molecular consequence: missense variant.
Genome position (GRCh38, 1-based): chr16:2,075,861, G>T. VCF-style: chr16-2075861-G-T. GRCh37 (hg19) VCF-style: chr16-2125862-G-T.
Other names: c.2608G>T, p.Ala870Ser (NM_001077183.3, NM_001114382.3, NM_001363528.2 and 3 more transcripts); c.2497G>T, p.Ala833Ser (NM_001318827.2); c.2461G>T, p.Ala821Ser (NM_001318829.2); c.2008G>T, p.Ala670Ser (NM_001318831.2); c.2641G>T, p.Ala881Ser (NM_001318832.2); short protein forms A870S, A833S, A670S, A821S, A881S.
Identifiers: ClinVar variation 406130 (VCV000406130.8), dbSNP rs1060500975, ClinGen allele CA16614956.